The following is an entry in ClinVar:

ClinVar aggregate classification (germline): Uncertain significance (1 of 4 stars; one submission).

Conditions:
Alstrom syndrome (ALMS). Identifiers: Orphanet 64, MedGen C0268425, MONDO:0008763, OMIM 203800.

Submission:

Labcorp Genetics (formerly Invitae), Labcorp
Classification: Uncertain significance for Alstrom syndrome. Last evaluated: 2022-03-29. Review status: criteria provided, single submitter. Criteria: Invitae Variant Classification Sherloc (09022015). Collection method: clinical testing. Allele origin: germline.
Comment: This variant, c.10756_10758del, results in the deletion of 1 amino acid(s) of the ALMS1 protein (p.Lys3586del), but otherwise preserves the integrity of the reading frame. This variant is not present in population databases (gnomAD no frequency). This variant has not been reported in the literature in individuals affected with ALMS1-related conditions. Experimental studies and prediction algorithms are not available or were not evaluated, and the functional significance of this variant is currently unknown. In summary, the available evidence is currently insufficient to determine the role of this variant in disease. Therefore, it has been classified as a Variant of Uncertain Significance.

NM_001378454.1(ALMS1):c.10753_10755del (p.Lys3585del)

Gene: ALMS1 (ALMS1 centrosome and basal body associated protein; plus strand). Cytogenetic location: 2p13.1.
Variant type: Deletion.
Coding change: c.10753_10755del on transcript NM_001378454.1 (MANE Select); coding-DNA positions 10753 to 10755, 3 bases deleted (AAG; older notation c.10753_10755delAAG).
Protein change: p.Lys3585del; deletes lysine 3585.
Molecular consequence: inframe deletion.
Genome position (GRCh38, 1-based): chr2:73,572,630-73,572,632, AAG deleted; deleting any 3 consecutive bases within chr2:73,572,628-73,572,632 gives the same sequence; the c. name uses the placement nearest the transcript's 3' end. VCF-style (leftmost placement, unchanged base first): chr2-73572627-CAGA-C. GRCh37 (hg19) VCF-style: chr2-73799754-CAGA-C.
Other names: c.10756_10758del, p.Lys3586del (NM_015120.4); short protein forms K3585del, K3586del.
Identifiers: ClinVar variation 2149301 (VCV002149301.1), dbSNP rs2466444454, ClinGen allele CA2577005218.